The following is an entry in ClinVar:

ClinVar aggregate classification (germline): Uncertain significance (1 of 4 stars; one submission).

Conditions:
Cornelia de Lange syndrome 1 (CDLS1). Also called: TYPUS DEGENERATIVUS AMSTELODAMENSIS; Brachmann de Lange syndrome; NIPBL-Related Cornelia de Lange Syndrome. Identifiers: Orphanet 199, MedGen C4551851, MONDO:0007387, OMIM 122470.

Submission:

Juno Genomics, Hangzhou Juno Genomics, Inc
Classification: Uncertain significance for Cornelia de Lange syndrome 1. Review status: criteria provided, single submitter. Criteria: ACMG Guidelines, 2015. Collection method: clinical testing. Allele origin: germline.
Comment: Absent from controls (or at extremely low frequency if recessive) in Genome Aggregation Database.;Missense variant in a gene that has a low rate of benign missense variation.

NM_133433.4(NIPBL):c.1589C>G (p.Ser530Cys)

Gene: NIPBL (NIPBL cohesin loading factor; plus strand). Cytogenetic location: 5p13.2.
Variant type: single nucleotide variant.
Coding change: c.1589C>G on transcript NM_133433.4 (MANE Select); coding-DNA position 1589, C replaced by G.
Protein change: p.Ser530Cys; replaces serine 530 with cysteine.
Molecular consequence: missense variant.
Genome position (GRCh38, 1-based): chr5:36,984,769, C>G. VCF-style: chr5-36984769-C-G. GRCh37 (hg19) VCF-style: chr5-36984871-C-G.
Other names: c.1589C>G, p.Ser530Cys (NM_001438586.1, NM_015384.5); short protein forms S530C.
Identifiers: ClinVar variation 5006889 (VCV005006889.2).
Genomic context (GRCh38, chr5:36,984,769, plus strand): 5'-ACCCACAGGAGGCTGGGGGTGCTACAGGAGGTAATAGACCAGCTTCTCAGGAGACGGGTT[C>G]TACGGGAAATGGGTCAAGGCCAGCATTAATGGTTAGCATTGATCTTCATCAGGCAGGAAG-3'
Protein context (NP_597677.2, residues 520-540): GNRPASQETG[Ser530Cys]TGNGSRPALM